The following is an entry in ClinVar:

ClinVar aggregate classification (germline): Uncertain significance (1 of 4 stars; one submission).

Conditions:
Charcot-Marie-Tooth disease type 2. Also called: Charcot-Marie-Tooth type 2. Identifiers: Orphanet 64746, MedGen C0270914, MONDO:0018993.

Submission:

Labcorp Genetics (formerly Invitae), Labcorp
Classification: Uncertain significance for Charcot-Marie-Tooth disease type 2. Last evaluated: 2019-08-23. Review status: criteria provided, single submitter. Criteria: Invitae Variant Classification Sherloc (09022015). Collection method: clinical testing. Allele origin: germline.
Comment: This sequence change replaces threonine with alanine at codon 96 of the AARS protein (p.Thr96Ala). The threonine residue is highly conserved and there is a small physicochemical difference between threonine and alanine. This variant is not present in population databases (ExAC no frequency). This variant has not been reported in the literature in individuals with AARS-related conditions. Algorithms developed to predict the effect of missense changes on protein structure and function are either unavailable or do not agree on the potential impact of this missense change (SIFT: "Deleterious"; PolyPhen-2: "Probably Damaging"; Align-GVGD: "Class C0"). In summary, the available evidence is currently insufficient to determine the role of this variant in disease. Therefore, it has been classified as a Variant of Uncertain Significance.

NM_001605.3(AARS1):c.286A>G (p.Thr96Ala)

Gene: AARS1 (alanyl-tRNA synthetase 1; minus strand). Cytogenetic location: 16q22.1.
Variant type: single nucleotide variant.
Coding change: c.286A>G on transcript NM_001605.3 (MANE Select); coding-DNA position 286, A replaced by G.
Protein change: p.Thr96Ala; replaces threonine 96 with alanine.
Molecular consequence: missense variant.
Genome position (GRCh38, 1-based): chr16:70,277,013, T>C on the plus strand (A>G on the coding strand, the complement: AARS1 is on the minus strand). VCF-style: chr16-70277013-T-C. GRCh37 (hg19) VCF-style: chr16-70310916-T-C.
Other names: short protein forms T96A.
Identifiers: ClinVar variation 2174175 (VCV002174175.4), dbSNP rs2507029561, ClinGen allele CA396569493.